The following is an entry in ClinVar:

NC_000011.9:g.(?_2181023)_(2193087_?)del

Genes: INS (insulin; minus strand), INS-IGF2 (INS-IGF2 readthrough; minus strand), TH (tyrosine hydroxylase; minus strand). Cytogenetic location: 11p15.5.
Variant type: Deletion.
Identifiers: ClinVar variation 1457228 (VCV001457228.5).

ClinVar aggregate classification (germline): Pathogenic (1 of 4 stars; one submission).

Conditions:
TH-deficient dopa-responsive dystonia. Also called: Tyrosine Hydroxylase-Deficient Dopa-Responsive Dystonia; Segawa syndrome, autosomal recessive; DYT-TH. Identifiers: Orphanet 101150, MedGen C2673535, MONDO:0011551, OMIM 605407.

Submission:

Labcorp Genetics (formerly Invitae), Labcorp
Classification: Pathogenic for TH-deficient dopa-responsive dystonia. Last evaluated: 2022-09-19. Review status: criteria provided, single submitter. Criteria: Invitae Variant Classification Sherloc (09022015). Collection method: clinical testing. Allele origin: germline.
Comment: For these reasons, this variant has been classified as Pathogenic. A similar copy number variant has been observed in individual(s) with Parkinson disease (PMID: 20809526). A gross deletion of the genomic region encompassing the full coding sequence of the TH gene has been identified. Loss-of-function variants in TH are known to be pathogenic (PMID: 22264700, 24753243). The boundaries of this event are unknown as they extend beyond the assayed region for this gene and therefore may encompass additional genes.

Literature cited by the submitters: PubMed 20809526; PubMed 22264700; PubMed 24753243.